The following is an entry in ClinVar:

NM_020987.5(ANK3):c.2858G>A (p.Arg953Lys)

Gene: ANK3 (ankyrin 3; minus strand). Cytogenetic location: 10q21.2.
Variant type: single nucleotide variant.
Coding change: c.2858G>A on transcript NM_020987.5 (MANE Select); coding-DNA position 2858, G replaced by A.
Protein change: p.Arg953Lys; replaces arginine 953 with lysine.
Molecular consequence: missense variant.
Genome position (GRCh38, 1-based): chr10:60,114,315, C>T on the plus strand (G>A on the coding strand, the complement: ANK3 is on the minus strand). VCF-style: chr10-60114315-C-T. GRCh37 (hg19) VCF-style: chr10-61874073-C-T.
Other names: c.260G>A, p.Arg87Lys (NM_001149.4); c.2840G>A, p.Arg947Lys (NM_001204403.2); c.2861G>A, p.Arg954Lys (NM_001204404.2); c.2858G>A, p.Arg953Lys (NM_001320874.2); c.2858G>A (NM_020987.3); short protein forms R953K, R947K, R87K, R954K.
Identifiers: ClinVar variation 1365026 (VCV001365026.9), dbSNP rs1326736953, ClinGen allele CA376994419.
Genomic context (GRCh38, chr10:60,114,315, plus strand): 5'-ACATTGTCTAAGGTGTCTGCAGCCCAGCTGTAATGTCTAAGAGAATCTGAATCAAATTCC[C>T]TTGTGAATGTTAGATGCTGAAAAATAAAATGGTAAATTAAATTACATCAACAAACCATAC-3'
Protein context (NP_066267.2, residues 943-963): PSKEQHLTFT[Arg953Lys]EFDSDSLRHY

ClinVar aggregate classification (germline): Uncertain significance. Review status: criteria provided, multiple submitters, no conflicts (2 of 4 stars). 2 submissions from 2 submitters: Uncertain significance (2). Last evaluated 2024-10-20.

Conditions:
Inborn genetic diseases. Identifiers: MedGen C0950123, MeSH D030342.

Submissions (2):

Ambry Genetics
Classification: Uncertain significance for Inborn genetic diseases. Last evaluated: 2024-10-20. Review status: criteria provided, single submitter. Criteria: Ambry Variant Classification Scheme 2023. Collection method: clinical testing. Allele origin: germline.

Labcorp Genetics (formerly Invitae), Labcorp
Classification: Uncertain significance. Last evaluated: 2022-10-13. Review status: criteria provided, single submitter. Criteria: Invitae Variant Classification Sherloc (09022015). Collection method: clinical testing. Allele origin: germline.
Comment: In summary, the available evidence is currently insufficient to determine the role of this variant in disease. Therefore, it has been classified as a Variant of Uncertain Significance. Algorithms developed to predict the effect of missense changes on protein structure and function are either unavailable or do not agree on the potential impact of this missense change (SIFT: "Not Available"; PolyPhen-2: "Benign"; Align-GVGD: "Not Available"). ClinVar contains an entry for this variant (Variation ID: 1365026). This variant has not been reported in the literature in individuals affected with ANK3-related conditions. This variant is not present in population databases (gnomAD no frequency). This sequence change replaces arginine with lysine at codon 953 of the ANK3 protein (p.Arg953Lys). The arginine residue is highly conserved and there is a small physicochemical difference between arginine and lysine.